The following is an entry in ClinVar:

ClinVar aggregate classification (germline): Likely benign (1 of 4 stars; one submission).

gnomAD v4.1: 6,302 of 1,613,896 alleles (0.39%); highest among the groups gnomAD compares: Non-Finnish European, 0.48%; 23 homozygotes.

Submission:

CeGaT Center for Human Genetics Tuebingen
Classification: Likely benign. Last evaluated: 2026-08-01. Review status: criteria provided, single submitter. Criteria: CeGaT Center For Human Genetics Tuebingen Variant Classification Criteria Version 2. Collection method: clinical testing. Allele origin: germline. Affected: yes. Observed: 1 variant allele.
Comment: POC1B-GALNT4: BP4, BS2; GALNT4: BP4, BS2

NM_003774.5(GALNT4):c.1359C>T (p.Ile453=)

Genes: GALNT4 (polypeptide N-acetylgalactosaminyltransferase 4; minus strand), POC1B (POC1 centriolar protein B; minus strand), POC1B-DUSP6 (POC1B-DUSP6 readthrough; minus strand), POC1B-GALNT4 (POC1B-GALNT4 readthrough; minus strand). Cytogenetic location: 12q21.33.
Variant type: single nucleotide variant.
Coding change: c.1359C>T on transcript NM_003774.5 (MANE Select); coding-DNA position 1359, C replaced by T.
Protein change: p.Ile453=; no amino-acid change (isoleucine 453 retained).
Molecular consequence: synonymous variant. On other transcripts: intron variant (8).
Genome position (GRCh38, 1-based): chr12:89,523,191, G>A on the plus strand (C>T on the coding strand, the complement: GALNT4 is on the minus strand). VCF-style: chr12-89523191-G-A. GRCh37 (hg19) VCF-style: chr12-89916968-G-A.
Other names: c.1350C>T, p.Ile450= (NM_001199781.2); c.843C>T, p.Ile281= (NM_001199782.1); c.-119+1929C>T (NM_001425796.1, NM_001425773.1); c.100+1929C>T (NM_001425795.1, NM_001425794.1, NM_001425772.1 and 2 more transcripts); c.-27+1929C>T (NM_001199777.2).
Identifiers: ClinVar variation 5038563 (VCV005038563.1).
Genomic context (GRCh38, chr12:89,523,191, plus strand): 5'-TGAAAGGTTAGCACCTGTGGGGTTGTTGTCAGGAGAATTATAATCTAAACATTCAGACGA[G>A]ATCCCTCTACTGCGAATAGCCCCATGCCAGCCTGGTCTATCCTCTGGAACATGTAAATTA-3'
Protein context (NP_003765.2, residues 443-463): GWHGAIRSRG[Ile453=]SSECLDYNSP